The following is an entry in ClinVar:

ClinVar aggregate classification (germline): Pathogenic/Likely pathogenic. Review status: criteria provided, multiple submitters, no conflicts (2 of 4 stars). 2 submissions from 2 submitters: Pathogenic (1); Likely pathogenic (1). Last evaluated 2022-10-28.

Conditions:
COL4A5-related disorders.

Submissions (3):

Labcorp Genetics (formerly Invitae), Labcorp
Classification: Pathogenic. Last evaluated: 2022-10-28. Review status: criteria provided, single submitter. Criteria: Invitae Variant Classification Sherloc (09022015). Collection method: clinical testing. Allele origin: germline.
Comment: This variant is not present in population databases (gnomAD no frequency). For these reasons, this variant has been classified as Pathogenic. Algorithms developed to predict the effect of sequence changes on RNA splicing suggest that this variant may disrupt the consensus splice site. ClinVar contains an entry for this variant (Variation ID: 1513579). Disruption of this splice site has been observed in individuals with clinical features of Alport syndrome (PMID: 8940267; Invitae). This sequence change affects a donor splice site in intron 15 of the COL4A5 gene. It is expected to disrupt RNA splicing. Variants that disrupt the donor or acceptor splice site typically lead to a loss of protein function (PMID: 16199547), and loss-of-function variants in COL4A5 are known to be pathogenic (PMID: 9195222, 10752524, 14514738, 24854265, 26809805).

Blueprint Genetics
Classification: Likely pathogenic for COL4A5-related disorders. Last evaluated: 2020-08-19. Review status: criteria provided, single submitter. Criteria: ACMG Guidelines, 2015. Collection method: clinical testing. Allele origin: germline. Affected: yes. Observed: 1 variant allele.

Dr. Peter K. Rogan Lab, Western University
No classification provided (evidence only). Condition: Hepatocellular carcinoma. Review status: no classification provided. Collection method: in vitro. Allele origin: not applicable. Functional consequence: skipped exon. Not counted in ClinVar's aggregate classification.

Literature cited by the submitters: PubMed 8940267 (cited by Labcorp Genetics (formerly Invitae), Labcorp); PubMed 16199547 (cited by Labcorp Genetics (formerly Invitae), Labcorp); PubMed 9195222 (cited by Labcorp Genetics (formerly Invitae), Labcorp); PubMed 10752524 (cited by Labcorp Genetics (formerly Invitae), Labcorp); PubMed 14514738 (cited by Labcorp Genetics (formerly Invitae), Labcorp); PubMed 24854265 (cited by Labcorp Genetics (formerly Invitae), Labcorp); PubMed 26809805 (cited by Labcorp Genetics (formerly Invitae), Labcorp).

NM_033380.3(COL4A5):c.891+2T>A

Gene: COL4A5 (collagen type IV alpha 5 chain; plus strand). Cytogenetic location: Xq22.3.
Variant type: single nucleotide variant.
Coding change: c.891+2T>A on transcript NM_033380.3 (MANE Select); the canonical splice donor site of the intron after coding-DNA position 891, T replaced by A.
Molecular consequence: splice donor variant.
Genome position (GRCh38, 1-based): chrX:108,580,740, T>A. VCF-style: chrX-108580740-T-A. GRCh37 (hg19) VCF-style: chrX-107823970-T-A.
Other names: c.891+2T>A (NM_000495.5).
Identifiers: ClinVar variation 1513579 (VCV001513579.10), dbSNP rs2147776797, ClinGen allele CA413926608.
Genomic context (GRCh38, chrX:108,580,740, plus strand): 5'-AGGGTCCCCCAGGTGGTGAGAAAGGTGAGAAGGGTGAGCAAGGAGAGCCAGGCAAAAGAG[T>A]AAGTGATGTAACTGCTAATATTCTTTGCAAAAAAATTCTAAATGTGTGTGTGTGTGATTT-3'